The following is an entry in ClinVar:

ClinVar aggregate classification (germline): Uncertain significance. Review status: criteria provided, single submitter (1 of 4 stars). 2 submissions from 2 submitters: Uncertain significance (1). 1 of the submissions does not count toward it. Last evaluated 2022-02-03.

Conditions:
Nemaline myopathy 2 (NEM2). Also called: Nemaline myopathy 2, autosomal recessive. Identifiers: MedGen C1850569, MONDO:0009725, OMIM 256030.

Allele frequency attached by ClinVar (database versions not stated): gnomAD exomes below 0.00001; ExAC 0.00002.
gnomAD v4.1: 7 of 1,568,930 alleles (0.00045%); highest among the groups gnomAD compares: South Asian, 0.0037%; no homozygotes.

Submissions (2):

Labcorp Genetics (formerly Invitae), Labcorp
Classification: Uncertain significance for Nemaline myopathy 2. Last evaluated: 2022-02-03. Review status: criteria provided, single submitter. Criteria: Invitae Variant Classification Sherloc (09022015). Collection method: clinical testing. Allele origin: germline.
Comment: This sequence change replaces tyrosine, which is neutral and polar, with cysteine, which is neutral and slightly polar, at codon 1924 of the NEB protein (p.Tyr1924Cys). This variant is present in population databases (rs747326135, gnomAD 0.008%). This variant has not been reported in the literature in individuals affected with NEB-related conditions. ClinVar contains an entry for this variant (Variation ID: 1043619). Algorithms developed to predict the effect of missense changes on protein structure and function are either unavailable or do not agree on the potential impact of this missense change (SIFT: "Deleterious"; PolyPhen-2: "Not Available"; Align-GVGD: "Class C0"). In summary, the available evidence is currently insufficient to determine the role of this variant in disease. Therefore, it has been classified as a Variant of Uncertain Significance.

Natera, Inc.
Classification: Uncertain significance for Nemaline myopathy type 2. Last evaluated: 2021-02-10. Review status: no assertion criteria provided. Collection method: clinical testing. Allele origin: germline. Not counted in ClinVar's aggregate classification.

NM_001164508.2(NEB):c.5771A>G (p.Tyr1924Cys)

Gene: NEB (nebulin; minus strand). Cytogenetic location: 2q23.3.
Variant type: single nucleotide variant.
Coding change: c.5771A>G on transcript NM_001164508.2 (MANE Select); coding-DNA position 5771, A replaced by G.
Protein change: p.Tyr1924Cys; replaces tyrosine 1924 with cysteine.
Molecular consequence: missense variant.
Genome position (GRCh38, 1-based): chr2:151,662,334, T>C on the plus strand (A>G on the coding strand, the complement: NEB is on the minus strand). VCF-style: chr2-151662334-T-C. GRCh37 (hg19) VCF-style: chr2-152518848-T-C.
Other names: c.5771A>G, p.Tyr1924Cys (NM_001164507.2, NM_001271208.2, NM_004543.5); short protein forms Y1924C.
Identifiers: ClinVar variation 1043619 (VCV001043619.6), dbSNP rs747326135, ClinGen allele CA1910276.
Genomic context (GRCh38, chr2:151,662,334, plus strand): 5'-TCCAGGGAGCCCAGAGGGAGCCATCCAATGCCCTTCATGAAGTCAGCATAGTCAGCCTTG[T>C]ACTGATTCTGCAAAAGAGGAAAAATTAAATTATGAGAAGAAACTGGAACTTCCCAAGAAT-3'
Protein context (NP_001157980.2, residues 1914-1934): NMMQIQSDNQ[Tyr1924Cys]KADYADFMKG